The following is an entry in ClinVar:

ClinVar aggregate classification (germline): Uncertain significance. Review status: criteria provided, multiple submitters, no conflicts (2 of 4 stars). 3 submissions from 3 submitters: Uncertain significance (3). Last evaluated 2024-10-22.

Allele frequency attached by ClinVar (database versions not stated): 1000 Genomes Project 30x 0.00031; gnomAD 0.00034 and 0.00036; gnomAD exomes 0.00039; 1000 Genomes Project 0.00040; ExAC 0.00041; TOPMed 0.00044; ESP Exome Variant Server 0.00066.
gnomAD v4.1: 594 of 1,613,560 alleles (0.037%); highest among the groups gnomAD compares: Non-Finnish European, 0.046%; no homozygotes.

Submissions (3):

Labcorp Genetics (formerly Invitae), Labcorp
Classification: Uncertain significance. Last evaluated: 2024-10-22. Review status: criteria provided, single submitter. Criteria: Invitae Variant Classification Sherloc (09022015). Collection method: clinical testing. Allele origin: germline.
Comment: This sequence change replaces arginine, which is basic and polar, with tryptophan, which is neutral and slightly polar, at codon 1656 of the HTT protein (p.Arg1656Trp). This variant is present in population databases (rs201149918, gnomAD 0.06%). This variant has not been reported in the literature in individuals affected with HTT-related conditions. ClinVar contains an entry for this variant (Variation ID: 871381). Experimental studies and prediction algorithms are not available or were not evaluated, and the functional significance of this variant is currently unknown. Algorithms developed to predict the effect of sequence changes on RNA splicing suggest that this variant may disrupt the consensus splice site. In summary, the available evidence is currently insufficient to determine the role of this variant in disease. Therefore, it has been classified as a Variant of Uncertain Significance.

CeGaT Center for Human Genetics Tuebingen
Classification: Uncertain significance. Last evaluated: 2019-07-01. Review status: criteria provided, single submitter. Criteria: CeGaT Center For Human Genetics Tuebingen Variant Classification Criteria Version 2. Collection method: clinical testing. Allele origin: germline. Affected: yes. Observed: 1 variant allele.

Breakthrough Genomics
Classification: Uncertain significance. Review status: criteria provided, single submitter. Criteria: ACMG Guidelines, 2015. Collection method: not provided. Allele origin: germline. Inheritance: Autosomal recessive inheritance. Affected: yes.

NM_001388492.1(HTT):c.4960C>T (p.Arg1654Trp)

Gene: HTT (huntingtin; plus strand). Cytogenetic location: 4p16.3.
Variant type: single nucleotide variant.
Coding change: c.4960C>T on transcript NM_001388492.1 (MANE Select); coding-DNA position 4960, C replaced by T.
Protein change: p.Arg1654Trp; replaces arginine 1654 with tryptophan.
Molecular consequence: missense variant.
Genome position (GRCh38, 1-based): chr4:3,186,690, C>T. VCF-style: chr4-3186690-C-T. GRCh37 (hg19) VCF-style: chr4-3188417-C-T.
Other names: c.4966C>T, p.Arg1656Trp (NM_002111.8); short protein forms R1656W, R1654W.
Identifiers: ClinVar variation 871381 (VCV000871381.49), dbSNP rs201149918, ClinGen allele CA2824586.